The following is an entry in ClinVar:

NM_005475.3(SH2B3):c.436T>C (p.Phe146Leu)

Gene: SH2B3 (SH2B adaptor protein 3; plus strand). Cytogenetic location: 12q24.12.
Variant type: single nucleotide variant.
Coding change: c.436T>C on transcript NM_005475.3 (MANE Select); coding-DNA position 436, T replaced by C.
Protein change: p.Phe146Leu; replaces phenylalanine 146 with leucine.
Molecular consequence: missense variant.
Genome position (GRCh38, 1-based): chr12:111,418,581, T>C. VCF-style: chr12-111418581-T-C. GRCh37 (hg19) VCF-style: chr12-111856385-T-C.
Other names: short protein forms F146L.
Identifiers: ClinVar variation 4163959 (VCV004163959.1).

ClinVar aggregate classification (germline): Uncertain significance (1 of 4 stars; one submission).

Conditions:
Inborn genetic diseases. Identifiers: MedGen C0950123, MeSH D030342.

gnomAD v4.1: 1 of 1,485,418 alleles (0.000067%); highest among the groups gnomAD compares: East Asian, 0.003%; no homozygotes.

Submission:

Ambry Genetics
Classification: Uncertain significance for Inborn genetic diseases. Last evaluated: 2025-07-28. Review status: criteria provided, single submitter. Criteria: Ambry Variant Classification Scheme 2023. Collection method: clinical testing. Allele origin: germline.
Comment: The p.F146L variant (also known as c.436T>C), located in coding exon 1 of the SH2B3 gene, results from a T to C substitution at nucleotide position 436. The phenylalanine at codon 146 is replaced by leucine, an amino acid with highly similar properties. This amino acid position is conserved. In addition, this alteration is predicted to be tolerated by in silico analysis. Based on the available evidence, the clinical significance of this variant remains unclear.